The following is an entry in ClinVar:

ClinVar aggregate classification (germline): Likely benign (1 of 4 stars; one submission).

Submission:

Mayo Clinic Laboratories, Mayo Clinic
Classification: Likely benign. Last evaluated: 2024-11-12. Review status: criteria provided, single submitter. Criteria: ACMG Guidelines, 2015. Collection method: clinical testing. Allele origin: germline. Observed: 1 variant allele.
Comment: BP4, BP7

NM_024496.4(IRF2BPL):c.1590C>T (p.Ala530=)

Gene: IRF2BPL (interferon regulatory factor 2 binding protein like; minus strand). Cytogenetic location: 14q24.3.
Variant type: single nucleotide variant.
Coding change: c.1590C>T on transcript NM_024496.4 (MANE Select); coding-DNA position 1590, C replaced by T.
Protein change: p.Ala530=; no amino-acid change (alanine 530 retained).
Molecular consequence: synonymous variant.
Genome position (GRCh38, 1-based): chr14:77,026,203, G>A on the plus strand (C>T on the coding strand, the complement: IRF2BPL is on the minus strand). VCF-style: chr14-77026203-G-A. GRCh37 (hg19) VCF-style: chr14-77492546-G-A.
Other names: p.Ala530=.
Identifiers: ClinVar variation 4683905 (VCV004683905.1).